The following is an entry in ClinVar:

NM_006922.4(SCN3A):c.5639C>T (p.Ala1880Val)

Gene: SCN3A (sodium voltage-gated channel alpha subunit 3; minus strand). Cytogenetic location: 2q24.3.
Variant type: single nucleotide variant.
Coding change: c.5639C>T on transcript NM_006922.4 (MANE Select); coding-DNA position 5639, C replaced by T.
Protein change: p.Ala1880Val; replaces alanine 1880 with valine.
Molecular consequence: missense variant.
Genome position (GRCh38, 1-based): chr2:165,090,514, G>A on the plus strand (C>T on the coding strand, the complement: SCN3A is on the minus strand). VCF-style: chr2-165090514-G-A. GRCh37 (hg19) VCF-style: chr2-165947024-G-A.
Other names: c.5492C>T, p.Ala1831Val (NM_001081676.2, NM_001081677.2); short protein forms A1831V, A1880V.
Identifiers: ClinVar variation 1000786 (VCV001000786.8), dbSNP rs1685038421, ClinGen allele CA349010663.

ClinVar aggregate classification (germline): Uncertain significance (1 of 4 stars; one submission).

Submission:

Labcorp Genetics (formerly Invitae), Labcorp
Classification: Uncertain significance. Last evaluated: 2023-09-11. Review status: criteria provided, single submitter. Criteria: Invitae Variant Classification Sherloc (09022015). Collection method: clinical testing. Allele origin: germline.
Comment: In summary, the available evidence is currently insufficient to determine the role of this variant in disease. Therefore, it has been classified as a Variant of Uncertain Significance. Advanced modeling of protein sequence and biophysical properties (such as structural, functional, and spatial information, amino acid conservation, physicochemical variation, residue mobility, and thermodynamic stability) has been performed at Invitae for this missense variant, however the output from this modeling did not meet the statistical confidence thresholds required to predict the impact of this variant on SCN3A protein function. ClinVar contains an entry for this variant (Variation ID: 1000786). This variant has not been reported in the literature in individuals affected with SCN3A-related conditions. This variant is not present in population databases (gnomAD no frequency). This sequence change replaces alanine, which is neutral and non-polar, with valine, which is neutral and non-polar, at codon 1880 of the SCN3A protein (p.Ala1880Val).